The following is an entry in ClinVar:

ClinVar aggregate classification (germline): Conflicting classifications of pathogenicity. Review status: criteria provided, conflicting classifications (1 of 4 stars). 2 submissions from 2 submitters: Uncertain significance (1); Likely benign (1). Last evaluated 2025-09-02.

Allele frequency attached by ClinVar (database versions not stated): ESP Exome Variant Server 0.00008; gnomAD 0.00008 and 0.00009; TOPMed 0.00009; ExAC 0.00018; gnomAD exomes 0.00013 and 0.00014.
gnomAD v4.1: 206 of 1,597,012 alleles (0.013%); highest among the groups gnomAD compares: Admixed American, 0.032%; no homozygotes.

Submissions (2):

Labcorp Genetics (formerly Invitae), Labcorp
Classification: Likely benign. Last evaluated: 2025-09-02. Review status: criteria provided, single submitter. Criteria: Invitae Variant Classification Sherloc (09022015). Collection method: clinical testing. Allele origin: germline.

GeneDx
Classification: Uncertain significance. Last evaluated: 2025-06-22. Review status: criteria provided, single submitter. Criteria: GeneDx Variant Classification Process June 2021. Collection method: clinical testing. Allele origin: germline.
Comment: In silico analysis suggests that this variant does not alter splicing; Has not been previously published as pathogenic or benign to our knowledge

NM_002887.4(RARS1):c.1347-9A>G

Gene: RARS1 (arginyl-tRNA synthetase 1; plus strand). Cytogenetic location: 5q34.
Variant type: single nucleotide variant.
Coding change: c.1347-9A>G on transcript NM_002887.4 (MANE Select); 9 bases into the intron before coding-DNA position 1347, A replaced by G.
Molecular consequence: intron variant.
Genome position (GRCh38, 1-based): chr5:168,510,572, A>G. VCF-style: chr5-168510572-A-G. GRCh37 (hg19) VCF-style: chr5-167937577-A-G.
Identifiers: ClinVar variation 1680431 (VCV001680431.10), dbSNP rs373354156, ClinGen allele CA3549905.
Genomic context (GRCh38, chr5:168,510,572, plus strand): 5'-TTCATTTTCAAAGATTTCTAAGTTGAAAAGTCTGTTTCAAAATCTGATTGGGGGTTTTAC[A>G]TTTTTTAGGAAAAAGTTTAAAACACGTTCGGGTGAAACAGTGCGCCTCATGGATCTTCTG-3'